The following is an entry in ClinVar:

ClinVar aggregate classification (germline): Uncertain significance (1 of 4 stars; one submission).

Submission:

GeneDx
Classification: Uncertain significance. Last evaluated: 2024-03-07. Review status: criteria provided, single submitter. Criteria: GeneDx Variant Classification Process June 2021. Collection method: clinical testing. Allele origin: germline. Affected: yes.
Comment: Not observed at significant frequency in large population cohorts (gnomAD); In silico analysis supports that this missense variant has a deleterious effect on protein structure/function; In silico analysis suggests this variant may impact gene splicing. In the absence of RNA/functional studies, the actual effect of this sequence change is unknown.; Has not been previously published as pathogenic or benign to our knowledge

NM_004859.4(CLTC):c.2056G>A (p.Ala686Thr)

Gene: CLTC (clathrin heavy chain; plus strand). Cytogenetic location: 17q23.1.
Variant type: single nucleotide variant.
Coding change: c.2056G>A on transcript NM_004859.4 (MANE Select); coding-DNA position 2056, G replaced by A.
Protein change: p.Ala686Thr; replaces alanine 686 with threonine.
Molecular consequence: missense variant.
Genome position (GRCh38, 1-based): chr17:59,666,905, G>A. VCF-style: chr17-59666905-G-A. GRCh37 (hg19) VCF-style: chr17-57744266-G-A.
Other names: c.2068G>A, p.Ala690Thr (NM_001288653.2); short protein forms A686T, A690T.
Identifiers: ClinVar variation 3370714 (VCV003370714.1).